The following is an entry in ClinVar:

NM_003737.4(DCHS1):c.8138C>A (p.Thr2713Asn)

Gene: DCHS1 (dachsous cadherin-related 1; minus strand). Cytogenetic location: 11p15.4.
Variant type: single nucleotide variant.
Coding change: c.8138C>A on transcript NM_003737.4 (MANE Select); coding-DNA position 8138, C replaced by A.
Protein change: p.Thr2713Asn; replaces threonine 2713 with asparagine.
Molecular consequence: missense variant.
Genome position (GRCh38, 1-based): chr11:6,623,538, G>T on the plus strand (C>A on the coding strand, the complement: DCHS1 is on the minus strand). VCF-style: chr11-6623538-G-T. GRCh37 (hg19) VCF-style: chr11-6644769-G-T.
Other names: short protein forms T2713N.
Identifiers: ClinVar variation 2708026 (VCV002708026.3), dbSNP rs2493811661, ClinGen allele CA379481637.

ClinVar aggregate classification (germline): Uncertain significance (1 of 4 stars; one submission).

Allele frequency attached by ClinVar (database versions not stated): gnomAD exomes 0.00001.
gnomAD v4.1: 8 of 1,611,352 alleles (0.0005%); highest among the groups gnomAD compares: Non-Finnish European, 0.00068%; no homozygotes.

Submission:

Labcorp Genetics (formerly Invitae), Labcorp
Classification: Uncertain significance. Last evaluated: 2024-01-06. Review status: criteria provided, single submitter. Criteria: Invitae Variant Classification Sherloc (09022015). Collection method: clinical testing. Allele origin: germline.
Comment: This sequence change replaces threonine, which is neutral and polar, with asparagine, which is neutral and polar, at codon 2713 of the DCHS1 protein (p.Thr2713Asn). This variant is not present in population databases (gnomAD no frequency). This variant has not been reported in the literature in individuals affected with DCHS1-related conditions. Advanced modeling of protein sequence and biophysical properties (such as structural, functional, and spatial information, amino acid conservation, physicochemical variation, residue mobility, and thermodynamic stability) performed at Invitae indicates that this missense variant is expected to disrupt DCHS1 protein function with a positive predictive value of 80%. In summary, the available evidence is currently insufficient to determine the role of this variant in disease. Therefore, it has been classified as a Variant of Uncertain Significance.